The following is an entry in ClinVar:

NM_024529.5(CDC73):c.29A>G (p.Gln10Arg)

Gene: CDC73 (cell division cycle 73; plus strand). Cytogenetic location: 1q31.2.
Variant type: single nucleotide variant.
Coding change: c.29A>G on transcript NM_024529.5 (MANE Select); coding-DNA position 29, A replaced by G.
Protein change: p.Gln10Arg; replaces glutamine 10 with arginine.
Molecular consequence: missense variant.
Genome position (GRCh38, 1-based): chr1:193,122,229, A>G. VCF-style: chr1-193122229-A-G. GRCh37 (hg19) VCF-style: chr1-193091359-A-G.
Other names: short protein forms Q10R.
Identifiers: ClinVar variation 2770312 (VCV002770312.4), dbSNP rs2103111611, ClinGen allele CA343972779.

ClinVar aggregate classification (germline): Uncertain significance. Review status: criteria provided, multiple submitters, no conflicts (2 of 4 stars). 2 submissions from 2 submitters: Uncertain significance (2). Last evaluated 2025-12-13.

Conditions:
Hereditary cancer-predisposing syndrome. Also called: Hereditary neoplastic syndrome; Hereditary Cancer Syndrome; Neoplastic Syndromes, Hereditary; Tumor predisposition. Identifiers: Orphanet 140162, MedGen C0027672, MeSH D009386, MONDO:0015356.
Parathyroid carcinoma (PRTC). Also called: Parathyroid gland carcinoma; CDC73-Related Parathyroid Carcinoma. Identifiers: Orphanet 143, MedGen C0687150, MONDO:0012004, OMIM 608266, HP:0006780.

Allele frequency attached by ClinVar (database versions not stated): gnomAD exomes below 0.00001.
gnomAD v4.1: 1 of 1,614,220 alleles (0.000062%); no homozygotes.

Submissions (2):

Ambry Genetics
Classification: Uncertain significance for Hereditary cancer-predisposing syndrome. Last evaluated: 2025-12-13. Review status: criteria provided, single submitter. Criteria: Ambry Variant Classification Scheme 2023. Collection method: clinical testing. Allele origin: germline.
Comment: The p.Q10R variant (also known as c.29A>G), located in coding exon 1 of the CDC73 gene, results from an A to G substitution at nucleotide position 29. The glutamine at codon 10 is replaced by arginine, an amino acid with highly similar properties. This amino acid position is conserved. In addition, the in silico prediction for this alteration is inconclusive. Based on the available evidence, the clinical significance of this variant remains unclear.

Labcorp Genetics (formerly Invitae), Labcorp
Classification: Uncertain significance for Parathyroid carcinoma. Last evaluated: 2023-05-23. Review status: criteria provided, single submitter. Criteria: Invitae Variant Classification Sherloc (09022015). Collection method: clinical testing. Allele origin: germline.
Comment: This variant is not present in population databases (gnomAD no frequency). In summary, the available evidence is currently insufficient to determine the role of this variant in disease. Therefore, it has been classified as a Variant of Uncertain Significance. Advanced modeling of protein sequence and biophysical properties (such as structural, functional, and spatial information, amino acid conservation, physicochemical variation, residue mobility, and thermodynamic stability) has been performed at Invitae for this missense variant, however the output from this modeling did not meet the statistical confidence thresholds required to predict the impact of this variant on CDC73 protein function. This variant has not been reported in the literature in individuals affected with CDC73-related conditions. This sequence change replaces glutamine, which is neutral and polar, with arginine, which is basic and polar, at codon 10 of the CDC73 protein (p.Gln10Arg).